The following is an entry in ClinVar:

ClinVar aggregate classification (germline): Uncertain significance (1 of 4 stars; one submission).

Allele frequency attached by ClinVar (database versions not stated): TOPMed 0.00002.
gnomAD v4.1: 11 of 1,585,204 alleles (0.00069%); highest among the groups gnomAD compares: Non-Finnish European, 0.00086%; no homozygotes.

Submission:

Labcorp Genetics (formerly Invitae), Labcorp
Classification: Uncertain significance. Last evaluated: 2024-02-09. Review status: criteria provided, single submitter. Criteria: Invitae Variant Classification Sherloc (09022015). Collection method: clinical testing. Allele origin: germline.
Comment: This sequence change replaces leucine, which is neutral and non-polar, with phenylalanine, which is neutral and non-polar, at codon 2958 of the HMCN1 protein (p.Leu2958Phe). This variant is not present in population databases (gnomAD no frequency). This variant has not been reported in the literature in individuals affected with HMCN1-related conditions. ClinVar contains an entry for this variant (Variation ID: 1897594). An algorithm developed to predict the effect of missense changes on protein structure and function (PolyPhen-2) suggests that this variant is likely to be tolerated. In summary, the available evidence is currently insufficient to determine the role of this variant in disease. Therefore, it has been classified as a Variant of Uncertain Significance.

NM_031935.3(HMCN1):c.8872C>T (p.Leu2958Phe)

Gene: HMCN1 (hemicentin 1; plus strand). Cytogenetic location: 1q31.1.
Variant type: single nucleotide variant.
Coding change: c.8872C>T on transcript NM_031935.3 (MANE Select); coding-DNA position 8872, C replaced by T.
Protein change: p.Leu2958Phe; replaces leucine 2958 with phenylalanine.
Molecular consequence: missense variant.
Genome position (GRCh38, 1-based): chr1:186,082,949, C>T. VCF-style: chr1-186082949-C-T. GRCh37 (hg19) VCF-style: chr1-186052081-C-T.
Other names: short protein forms L2958F.
Identifiers: ClinVar variation 1897594 (VCV001897594.5), dbSNP rs894335063, ClinGen allele CA33474116.